The following is an entry in ClinVar:

ClinVar aggregate classification (germline): Likely benign. Review status: criteria provided, multiple submitters, no conflicts (2 of 4 stars). 3 submissions from 3 submitters: Likely benign (2). 1 of the submissions does not count toward it. Last evaluated 2024-11-11.

Conditions:
CACNA1H-related disorder.
Idiopathic generalized epilepsy. Also called: Generalised epilepsy; EIG. Identifiers: MedGen C0270850, MONDO:0005579, OMIM 600669.
Hyperaldosteronism, familial, type IV (HALD4). Also called: FH IV; ALDOSTERONISM, PRIMARY, AND HYPERTENSION. Identifiers: Orphanet 642671, MedGen C4310756, MONDO:0014875, OMIM 617027.

Allele frequency attached by ClinVar (database versions not stated): gnomAD 0.00005; TOPMed 0.00007; ESP Exome Variant Server 0.00008; gnomAD exomes 0.00008; ExAC 0.00011.
gnomAD v4.1: 117 of 1,592,278 alleles (0.0073%); highest among the groups gnomAD compares: Non-Finnish European, 0.0092%; no homozygotes.

Submissions (3):

Labcorp Genetics (formerly Invitae), Labcorp
Classification: Likely benign for Idiopathic generalized epilepsy; Hyperaldosteronism, familial, type IV. Last evaluated: 2024-11-11. Review status: criteria provided, single submitter. Criteria: Invitae Variant Classification Sherloc (09022015). Collection method: clinical testing. Allele origin: germline.

Blueprint Genetics
Classification: Likely benign. Last evaluated: 2024-04-29. Review status: criteria provided, single submitter. Criteria: ACMG Guidelines, 2015. Collection method: clinical testing. Allele origin: germline.

PreventionGenetics, part of Exact Sciences
Classification: Likely benign for CACNA1H-related condition. Last evaluated: 2019-07-31. Review status: no assertion criteria provided. Collection method: clinical testing. Allele origin: germline. Not counted in ClinVar's aggregate classification.
Comment: This variant is classified as likely benign based on ACMG/AMP sequence variant interpretation guidelines (Richards et al. 2015 PMID: 25741868, with internal and published modifications).

NM_021098.3(CACNA1H):c.2811C>T (p.Phe937=)

Gene: CACNA1H (calcium voltage-gated channel subunit alpha1 H; plus strand). Cytogenetic location: 16p13.3.
Variant type: single nucleotide variant.
Coding change: c.2811C>T on transcript NM_021098.3 (MANE Select); coding-DNA position 2811, C replaced by T.
Protein change: p.Phe937=; no amino-acid change (phenylalanine 937 retained).
Molecular consequence: synonymous variant.
Genome position (GRCh38, 1-based): chr16:1,207,022, C>T. VCF-style: chr16-1207022-C-T. GRCh37 (hg19) VCF-style: chr16-1257022-C-T.
Other names: c.2811C>T, p.Phe937= (NM_001005407.2).
Identifiers: ClinVar variation 715092 (VCV000715092.12), dbSNP rs372701359, ClinGen allele CA7800453.